The following is an entry in ClinVar:

ClinVar aggregate classification (germline): Likely pathogenic (1 of 4 stars; one submission).

Conditions:
Ulnar-mammary syndrome (UMS). Also called: Ulnar-mammary syndrome of Pallister; SCHINZEL SYNDROME; PALLISTER ULNAR-MAMMARY SYNDROME. Identifiers: Orphanet 3138, MedGen C1866994, MONDO:0008411, OMIM 181450.

Submission:

Labcorp Genetics (formerly Invitae), Labcorp
Classification: Likely pathogenic for Ulnar-mammary syndrome. Last evaluated: 2019-03-22. Review status: criteria provided, single submitter. Criteria: Invitae Variant Classification Sherloc (09022015). Collection method: clinical testing. Allele origin: germline.
Comment: This sequence change affects a donor splice site in intron 5 of the TBX3 gene. It is expected to disrupt RNA splicing and likely results in an absent or disrupted protein product. This variant is not present in population databases (ExAC no frequency). This variant has not been reported in the literature in individuals with TBX3-related conditions. Algorithms developed to predict the effect of sequence changes on RNA splicing suggest that this variant may disrupt the consensus splice site, but this prediction has not been confirmed by published transcriptional studies. Donor and acceptor splice site variants typically lead to a loss of protein function (PMID: 16199547), and loss-of-function variants in TBX3 are known to be pathogenic (PMID: 12668170, 16896345). In summary, the currently available evidence indicates that the variant is pathogenic, but additional data are needed to prove that conclusively. Therefore, this variant has been classified as Likely Pathogenic.

Literature cited by the submitters: PubMed 16896345; PubMed 12668170.

NM_005996.4(TBX3):c.1039+1G>A

Gene: TBX3 (T-box transcription factor 3; minus strand). Cytogenetic location: 12q24.21.
Variant type: single nucleotide variant.
Coding change: c.1039+1G>A on transcript NM_005996.4 (MANE Select); the canonical splice donor site of the intron after coding-DNA position 1039, G replaced by A.
Molecular consequence: splice donor variant.
Genome position (GRCh38, 1-based): chr12:114,676,312, C>T on the plus strand (G>A on the coding strand, the complement: TBX3 is on the minus strand). VCF-style: chr12-114676312-C-T. GRCh37 (hg19) VCF-style: chr12-115114117-C-T.
Other names: c.1099+1G>A (NM_016569.4).
Identifiers: ClinVar variation 849016 (VCV000849016.1), dbSNP rs1868706209, ClinGen allele CA386869761.